The following is an entry in ClinVar:

ClinVar aggregate classification (germline): Likely pathogenic (1 of 4 stars; one submission).

Conditions:
Developmental and epileptic encephalopathy, 42 (DEE42A). Also called: Epileptic encephalopathy, early infantile, 42; DEVELOPMENTAL AND EPILEPTIC ENCEPHALOPATHY 42A; EPILEPTIC ENCEPHALOPATHY, EARLY INFANTILE, 42A. Identifiers: MedGen C4310716, MONDO:0014917, OMIM 617106.

Submission:

Department of Neurology, Zibo Changguo Hospital
Classification: Likely pathogenic for Developmental and epileptic encephalopathy, 42. Last evaluated: 2025-01-08. Review status: criteria provided, single submitter. Criteria: ACMG Guidelines, 2015. Collection method: clinical testing. Allele origin: maternal. Inheritance: Autosomal dominant inheritance. Affected: yes.
Comment: PVS1, PM2_Supporting

NM_001127221.2(CACNA1A):c.5567T>G (p.Leu1856Ter)

Gene: CACNA1A (calcium voltage-gated channel subunit alpha1 A; minus strand). Cytogenetic location: 19p13.13.
Variant type: single nucleotide variant.
Coding change: c.5567T>G on transcript NM_001127221.2 (MANE Plus Clinical); coding-DNA position 5567, T replaced by G.
Protein change: p.Leu1856Ter; replaces leucine 1856 with a stop codon.
Molecular consequence: nonsense. On other transcripts: intron variant (4).
Genome position (GRCh38, 1-based): chr19:13,228,760, A>C on the plus strand (T>G on the coding strand, the complement: CACNA1A is on the minus strand). VCF-style: chr19-13228760-A-C. GRCh37 (hg19) VCF-style: chr19-13339574-A-C.
Other names: c.5529-1233T>G (NM_001127222.2); c.5538-1233T>G (NM_001174080.2); c.5547-1233T>G (NM_000068.4, NM_023035.3); short protein forms L1856*.
Identifiers: ClinVar variation 3770198 (VCV003770198.1).